The following is an entry in ClinVar:

NM_000416.3(IFNGR1):c.718A>G (p.Asn240Asp)

Gene: IFNGR1 (interferon gamma receptor 1; minus strand). Cytogenetic location: 6q23.3.
Variant type: single nucleotide variant.
Coding change: c.718A>G on transcript NM_000416.3 (MANE Select); coding-DNA position 718, A replaced by G.
Protein change: p.Asn240Asp; replaces asparagine 240 with aspartic acid.
Molecular consequence: missense variant.
Genome position (GRCh38, 1-based): chr6:137,203,514, T>C on the plus strand (A>G on the coding strand, the complement: IFNGR1 is on the minus strand). VCF-style: chr6-137203514-T-C. GRCh37 (hg19) VCF-style: chr6-137524651-T-C.
Other names: c.688A>G, p.Asn230Asp (NM_001363526.1); c.595A>G, p.Asn199Asp (NM_001363527.1); short protein forms N230D, N240D, N199D.
Identifiers: ClinVar variation 4700184 (VCV004700184.1).

ClinVar aggregate classification (germline): Uncertain significance (1 of 4 stars; one submission).

Conditions:
Disseminated atypical mycobacterial infection. Identifiers: MedGen C0694566.

Submission:

Labcorp Genetics (formerly Invitae), Labcorp
Classification: Uncertain significance for Disseminated atypical mycobacterial infection. Last evaluated: 2025-12-19. Review status: criteria provided, single submitter. Criteria: Invitae Variant Classification Sherloc (09022015). Collection method: clinical testing. Allele origin: germline.
Comment: This sequence change replaces asparagine, which is neutral and polar, with aspartic acid, which is acidic and polar, at codon 240 of the IFNGR1 protein (p.Asn240Asp). This variant is present in population databases (rs752403103, gnomAD 0.006%). This variant has not been reported in the literature in individuals affected with IFNGR1-related conditions. Invitae Evidence Modeling of protein sequence and biophysical properties (such as structural, functional, and spatial information, amino acid conservation, physicochemical variation, residue mobility, and thermodynamic stability) indicates that this missense variant is not expected to disrupt IFNGR1 protein function with a negative predictive value of 80%. In summary, the available evidence is currently insufficient to determine the role of this variant in disease. Therefore, it has been classified as a Variant of Uncertain Significance.